The following is an entry in ClinVar:

NM_001290060.2(SEMA3B):c.513C>T (p.Asp171=)

Gene: SEMA3B (semaphorin 3B; plus strand). Cytogenetic location: 3p21.31.
Variant type: single nucleotide variant.
Coding change: c.513C>T on transcript NM_001290060.2 (MANE Select); coding-DNA position 513, C replaced by T.
Protein change: p.Asp171=; no amino-acid change (aspartic acid 171 retained).
Molecular consequence: synonymous variant.
Genome position (GRCh38, 1-based): chr3:50,271,150, C>T. VCF-style: chr3-50271150-C-T. GRCh37 (hg19) VCF-style: chr3-50308581-C-T.
Other names: c.513C>T, p.Asp171= (NM_001005914.3, NM_001290061.1, NM_001435956.1 and 3 more transcripts).
Identifiers: ClinVar variation 4988469 (VCV004988469.1).

ClinVar aggregate classification (germline): Likely benign (1 of 4 stars; one submission).

Conditions:
SEMA3B-related disorder. Also called: SEMA3B-related condition.

gnomAD v4.1: 3 of 1,582,674 alleles (0.00019%); highest among the groups gnomAD compares: African/African-American, 0.0013%; no homozygotes.

Submission:

PreventionGenetics, part of Exact Sciences
Classification: Likely benign for SEMA3B-related condition. Last evaluated: 2025-01-08. Review status: criteria provided, single submitter. Criteria: ACMG Guidelines, 2015. Collection method: clinical testing. Allele origin: germline.
Comment: This variant is classified as likely benign based on ACMG/AMP sequence variant interpretation guidelines (Richards et al. 2015 PMID: 25741868, with internal and published modifications).